The following is an entry in ClinVar:

NM_032578.4(MYPN):c.1188_1196dup (p.Ala397_Pro399dup)

Gene: MYPN (myopalladin; plus strand). Cytogenetic location: 10q21.3.
Variant type: Duplication.
Coding change: c.1188_1196dup on transcript NM_032578.4 (MANE Select); coding-DNA positions 1188 to 1196, 9 bases duplicated (AGCAGTACC; older notation c.1188_1196dupAGCAGTACC).
Protein change: p.Ala397_Pro399dup.
Molecular consequence: inframe insertion. On other transcripts: non-coding transcript variant (2).
Genome position (GRCh38, 1-based): chr10:68,148,410-68,148,418, AGCAGTACC duplicated; duplicating any 9 consecutive bases within chr10:68,148,408-68,148,418 gives the same sequence; the c. name uses the placement nearest the transcript's 3' end. VCF-style (leftmost placement, unchanged base first): chr10-68148407-T-TCCAGCAGTA. GRCh37 (hg19) VCF-style: chr10-69908164-T-TCCAGCAGTA.
Other names: c.1188_1196dup, p.Ala397_Pro399dup (NM_001256267.2); c.306_314dup, p.Ala103_Pro105dup (NM_001256268.2).
Identifiers: ClinVar variation 858824 (VCV000858824.7), dbSNP rs2042706109, ClinGen allele CA916081587.

ClinVar aggregate classification (germline): Uncertain significance (1 of 4 stars; one submission).

Conditions:
Dilated cardiomyopathy 1KK (CMD1KK). Identifiers: Orphanet 154, Orphanet 75249, MedGen C3714995, MONDO:0014100, OMIM 615248.

Submission:

Labcorp Genetics (formerly Invitae), Labcorp
Classification: Uncertain significance for Dilated cardiomyopathy 1KK. Last evaluated: 2020-05-06. Review status: criteria provided, single submitter. Criteria: Invitae Variant Classification Sherloc (09022015). Collection method: clinical testing. Allele origin: germline.
Comment: This variant has not been reported in the literature in individuals with MYPN-related conditions. In summary, the available evidence is currently insufficient to determine the role of this variant in disease. Therefore, it has been classified as a Variant of Uncertain Significance. Experimental studies and prediction algorithms are not available or were not evaluated for this variant, and the functional significance of the affected amino acid(s) is currently unknown. This variant is not present in population databases (ExAC no frequency). This variant, c.1188_1196dup, results in the insertion of 3 amino acid(s) to the MYPN protein (p.Ala397_Pro399dup), but otherwise preserves the integrity of the reading frame.